The following is an entry in ClinVar:

NM_015909.4(NBAS):c.4523T>G (p.Leu1508Arg)

Gene: NBAS (NBAS subunit of NRZ tethering complex; minus strand). Cytogenetic location: 2p24.3.
Variant type: single nucleotide variant.
Coding change: c.4523T>G on transcript NM_015909.4 (MANE Select); coding-DNA position 4523, T replaced by G.
Protein change: p.Leu1508Arg; replaces leucine 1508 with arginine.
Molecular consequence: missense variant. On other transcripts: non-coding transcript variant (1).
Genome position (GRCh38, 1-based): chr2:15,327,809, A>C on the plus strand (T>G on the coding strand, the complement: NBAS is on the minus strand). VCF-style: chr2-15327809-A-C. GRCh37 (hg19) VCF-style: chr2-15467933-A-C.
Other names: short protein forms L1508R.
Identifiers: ClinVar variation 1477197 (VCV001477197.5), dbSNP rs1287513379, ClinGen allele CA345895526.

ClinVar aggregate classification (germline): Uncertain significance (1 of 4 stars; one submission).

Allele frequency attached by ClinVar (database versions not stated): gnomAD exomes below 0.00001 and 0.00001; gnomAD 0.00001.
gnomAD v4.1: 6 of 1,613,598 alleles (0.00037%); highest among the groups gnomAD compares: African/African-American, 0.0013%; no homozygotes.

Submission:

Labcorp Genetics (formerly Invitae), Labcorp
Classification: Uncertain significance. Last evaluated: 2021-11-27. Review status: criteria provided, single submitter. Criteria: Invitae Variant Classification Sherloc (09022015). Collection method: clinical testing. Allele origin: germline.
Comment: In summary, the available evidence is currently insufficient to determine the role of this variant in disease. Therefore, it has been classified as a Variant of Uncertain Significance. Algorithms developed to predict the effect of missense changes on protein structure and function are either unavailable or do not agree on the potential impact of this missense change (SIFT: "Deleterious"; PolyPhen-2: "Benign"; Align-GVGD: "Class C0"). This variant has not been reported in the literature in individuals affected with NBAS-related conditions. This variant is present in population databases (no rsID available, gnomAD 0.007%). This sequence change replaces leucine, which is neutral and non-polar, with arginine, which is basic and polar, at codon 1508 of the NBAS protein (p.Leu1508Arg).